The following is an entry in ClinVar:

NM_007294.4(BRCA1):c.4825G>T (p.Glu1609Ter)

Gene: BRCA1 (BRCA1 DNA repair associated; minus strand). Cytogenetic location: 17q21.31.
Variant type: single nucleotide variant.
Coding change: c.4825G>T on transcript NM_007294.4 (MANE Select); coding-DNA position 4825, G replaced by T.
Protein change: p.Glu1609Ter; replaces glutamic acid 1609 with a stop codon.
Molecular consequence: nonsense. On other transcripts: non-coding transcript variant (1).
Genome position (GRCh38, 1-based): chr17:43,071,089, C>A on the plus strand (G>T on the coding strand, the complement: BRCA1 is on the minus strand). VCF-style: chr17-43071089-C-A. GRCh37 (hg19) VCF-style: chr17-41223106-C-A.
Other names: c.4819G>T, p.Glu1607Ter (NM_001407627.1, NM_001407630.1, NM_001407629.1 and 14 more transcripts); c.1399G>T, p.Glu467Ter (NM_001408419.1, NM_001408420.1, NM_001408418.1); c.1396G>T, p.Glu466Ter (NM_001408423.1, NM_001408424.1, NM_001408421.1 and 1 more transcripts); c.4612G>T, p.Glu1538Ter (NM_001407571.1, NM_001407906.1, NM_001407907.1 and 12 more transcripts); c.4891G>T, p.Glu1631Ter (NM_001407581.1, NM_001407582.1); c.4888G>T, p.Glu1630Ter (NM_001407583.1, NM_001407585.1, NM_001407587.1 and 1 more transcripts); c.4885G>T, p.Glu1629Ter (NM_001407590.1, NM_001407591.1); c.4825G>T, p.Glu1609Ter (NM_001407593.1, NM_001407594.1, NM_001407596.1 and 8 more transcripts); and 70 more; short protein forms E1313*, E1481*, E1497*, E1542*, E1561*, E1562*, E1604*, E1607*.
Identifiers: ClinVar variation 1743383 (VCV001743383.2), dbSNP rs2153835962, ClinGen allele CA10591871.

ClinVar aggregate classification (germline): Pathogenic (1 of 4 stars; one submission).

Conditions:
Hereditary cancer-predisposing syndrome. Also called: Hereditary Cancer Syndrome; Neoplastic Syndromes, Hereditary; Tumor predisposition; Hereditary neoplastic syndrome. Identifiers: Orphanet 140162, MedGen C0027672, MeSH D009386, MONDO:0015356.

Submission:

Ambry Genetics
Classification: Pathogenic for Hereditary cancer-predisposing syndrome. Last evaluated: 2021-08-11. Review status: criteria provided, single submitter. Criteria: Ambry Variant Classification Scheme 2023. Collection method: clinical testing. Allele origin: germline.
Comment: The p.E1609* pathogenic mutation (also known as c.4825G>T), located in coding exon 14 of the BRCA1 gene, results from a G to T substitution at nucleotide position 4825. This changes the amino acid from a glutamic acid to a stop codon within coding exon 14. This alteration is expected to result in loss of function by premature protein truncation or nonsense-mediated mRNA decay. As such, this alteration is interpreted as a disease-causing mutation.